The following is an entry in ClinVar:

NM_007294.4(BRCA1):c.1616C>G (p.Thr539Arg)

Gene: BRCA1 (BRCA1 DNA repair associated; minus strand). Cytogenetic location: 17q21.31.
Variant type: single nucleotide variant.
Coding change: c.1616C>G on transcript NM_007294.4 (MANE Select); coding-DNA position 1616, C replaced by G.
Protein change: p.Thr539Arg; replaces threonine 539 with arginine.
Molecular consequence: missense variant. On other transcripts: intron variant (137).
Genome position (GRCh38, 1-based): chr17:43,093,915, G>C on the plus strand (C>G on the coding strand, the complement: BRCA1 is on the minus strand). VCF-style: chr17-43093915-G-C. GRCh37 (hg19) VCF-style: chr17-41245932-G-C.
Other names: c.1616C>G, p.Thr539Arg (NM_001407582.1, NM_001407583.1, NM_001407585.1 and 30 more transcripts); c.1613C>G, p.Thr538Arg (NM_001407587.1, NM_001407590.1, NM_001407591.1 and 22 more transcripts); c.1403C>G, p.Thr468Arg (NM_001407571.1, NM_001407853.1, NM_001407894.1 and 9 more transcripts); c.1607C>G, p.Thr536Arg (NM_001407646.1, NM_001407647.1); c.1493C>G, p.Thr498Arg (NM_001407648.1, NM_001407664.1, NM_001407665.1 and 19 more transcripts); c.1490C>G, p.Thr497Arg (NM_001407649.1, NM_001407670.1, NM_001407671.1 and 11 more transcripts); c.1538C>G, p.Thr513Arg (NM_001407653.1, NM_001407654.1, NM_001407655.1 and 4 more transcripts); c.1535C>G, p.Thr512Arg (NM_001407659.1, NM_001407660.1, NM_001407661.1 and 1 more transcripts); and 40 more; short protein forms T412R, T471R, T472R, T512R, T513R, T538R, T491R, T539R.
Identifiers: ClinVar variation 2132506 (VCV002132506.6), dbSNP rs80357374, ClinGen allele CA10598808.

ClinVar aggregate classification (germline): Conflicting classifications of pathogenicity. Review status: criteria provided, conflicting classifications (1 of 4 stars). 2 submissions from 2 submitters: Uncertain significance (1); Likely benign (1). Last evaluated 2023-03-23.

Conditions:
Hereditary cancer-predisposing syndrome. Also called: Hereditary neoplastic syndrome; Hereditary Cancer Syndrome; Tumor predisposition; Neoplastic Syndromes, Hereditary. Identifiers: Orphanet 140162, MedGen C0027672, MeSH D009386, MONDO:0015356.
Hereditary breast ovarian cancer syndrome. Also called: Hereditary breast and ovarian cancer; Hereditary breast and/or ovarian cancer syndrome; Hereditary breast and ovarian cancer syndrome (HBOC); Breast and ovarian cancer; Hereditary breast and ovarian cancer syndrome; BRCA1- and BRCA2-Associated Hereditary Breast and Ovarian Cancer. Identifiers: Orphanet 145, MedGen C0677776, MeSH D061325, MONDO:0003582. Disease mechanism: loss of function.

Submissions (2):

University of Washington Department of Laboratory Medicine, University of Washington
Classification: Likely benign for Hereditary cancer-predisposing syndrome. Last evaluated: 2023-03-23. Review status: criteria provided, single submitter. Criteria: Dines et al. (Genet Med. 2020). Collection method: curation. Allele origin: germline.
Comment: Missense variant in a coldspot region where missense variants are very unlikely to be pathogenic (PMID:31911673).

BRCA1 coldspot (exon 11 using historical exon numbering). Reclassification based on statistical prior probability

Labcorp Genetics (formerly Invitae), Labcorp
Classification: Uncertain significance for Hereditary breast ovarian cancer syndrome. Last evaluated: 2022-05-01. Review status: criteria provided, single submitter. Criteria: Invitae Variant Classification Sherloc (09022015). Collection method: clinical testing. Allele origin: germline.
Comment: In summary, the available evidence is currently insufficient to determine the role of this variant in disease. Therefore, it has been classified as a Variant of Uncertain Significance. Advanced modeling of protein sequence and biophysical properties (such as structural, functional, and spatial information, amino acid conservation, physicochemical variation, residue mobility, and thermodynamic stability) performed at Invitae indicates that this missense variant is not expected to disrupt BRCA1 protein function. This variant has not been reported in the literature in individuals affected with BRCA1-related conditions. This variant is not present in population databases (gnomAD no frequency). This sequence change replaces threonine, which is neutral and polar, with arginine, which is basic and polar, at codon 539 of the BRCA1 protein (p.Thr539Arg).